The following is an entry in ClinVar:

ClinVar aggregate classification (germline): Likely benign (1 of 4 stars; one submission).

Allele frequency attached by ClinVar (database versions not stated): TOPMed below 0.00001 and 0.00001; ExAC 0.00001; gnomAD exomes below 0.00001; gnomAD 0.00001.
gnomAD v4.1: 4 of 1,598,676 alleles (0.00025%); highest among the groups gnomAD compares: Middle Eastern, 0.017%; no homozygotes.

Submission:

GeneDx
Classification: Likely benign. Last evaluated: 2016-12-27. Review status: criteria provided, single submitter. Criteria: GeneDx Variant Classification (06012015). Collection method: clinical testing. Allele origin: germline. Affected: yes.
Comment: This variant is considered likely benign or benign based on one or more of the following criteria: it is a conservative change, it occurs at a poorly conserved position in the protein, it is predicted to be benign by multiple in silico algorithms, and/or has population frequency not consistent with disease.

NM_001136193.2(FASTKD2):c.777+14G>A

Gene: FASTKD2 (FAST kinase domains 2; plus strand). Cytogenetic location: 2q33.3.
Variant type: single nucleotide variant.
Coding change: c.777+14G>A on transcript NM_001136193.2 (MANE Select); 14 bases into the intron after coding-DNA position 777, G replaced by A.
Molecular consequence: intron variant.
Genome position (GRCh38, 1-based): chr2:206,767,484, G>A. VCF-style: chr2-206767484-G-A. GRCh37 (hg19) VCF-style: chr2-207632208-G-A.
Other names: c.777+14G>A (NM_001136194.2, NM_014929.4).
Identifiers: ClinVar variation 391213 (VCV000391213.1), dbSNP rs752997524, ClinGen allele CA2074948.
Genomic context (GRCh38, chr2:206,767,484, plus strand): 5'-TCCCTCAGAACACTATTTTGGTGCAGACTTTGCTGAGGGTGACCCAGGTAAAATAAAAAG[G>A]AGATTTAAACATGCATTTACTTGATTTAGAATATTTTGAAAGAATGAAGGGATATAGATA-3'